The following is an entry in ClinVar:

NM_014516.4(CNOT3):c.1587C>G (p.Ser529Arg)

Gene: CNOT3 (CCR4-NOT transcription complex subunit 3; plus strand). Cytogenetic location: 19q13.42.
Variant type: single nucleotide variant.
Coding change: c.1587C>G on transcript NM_014516.4 (MANE Select); coding-DNA position 1587, C replaced by G.
Protein change: p.Ser529Arg; replaces serine 529 with arginine.
Molecular consequence: missense variant.
Genome position (GRCh38, 1-based): chr19:54,149,740, C>G. VCF-style: chr19-54149740-C-G. GRCh37 (hg19) VCF-style: chr19-54653475-C-G.
Other names: short protein forms S529R.
Identifiers: ClinVar variation 3898988 (VCV003898988.1).
Genomic context (GRCh38, chr19:54,149,740, plus strand): 5'-GCCCAGCTTCAGTGATGCCAAGGCAGCCGGTGCCCTGCTCAATGGGCCTCCACAGTTCAG[C>G]ACCGCCCCAGAAATCAAGGTGGGCTCCTCGGACATCCCCCGAGCCTCTGTGTCCTGACTC-3'
Protein context (NP_055331.1, residues 519-539): GALLNGPPQF[Ser529Arg]TAPEIKAPEP

ClinVar aggregate classification (germline): Uncertain significance (1 of 4 stars; one submission).

Submission:

GeneDx
Classification: Uncertain significance. Last evaluated: 2024-11-06. Review status: criteria provided, single submitter. Criteria: GeneDx Variant Classification Process June 2021. Collection method: clinical testing. Allele origin: germline. Affected: yes.
Comment: Not observed at significant frequency in large population cohorts (gnomAD); In silico analysis indicates that this missense variant does not alter protein structure/function; Has not been previously published as pathogenic or benign to our knowledge